The following is an entry in ClinVar:

NM_001127222.2(CACNA1A):c.3058_3075dup (p.Arg1025_His1026insGluAspLysGluArgArg)

Gene: CACNA1A (calcium voltage-gated channel subunit alpha1 A; minus strand). Cytogenetic location: 19p13.13.
Variant type: Duplication.
Coding change: c.3058_3075dup on transcript NM_001127222.2 (MANE Select); coding-DNA positions 3058 to 3075, 18 bases duplicated (GAGGACAAGGAGCGGAGG).
Protein change: p.Arg1025_His1026insGluAspLysGluArgArg.
Molecular consequence: inframe insertion. On other transcripts: inframe indel (1).
Genome position (GRCh38, 1-based): chr19:13,298,558-13,298,575, CCTCCGCTCCTTGTCCTC duplicated on the plus strand (GAGGACAAGGAGCGGAGG on the coding strand, the reverse complement: CACNA1A is on the minus strand); duplicating any 18 consecutive bases within chr19:13,298,558-13,298,582 gives the same sequence; the c. name uses the placement nearest the transcript's 3' end. VCF-style (leftmost placement, unchanged base first): chr19-13298557-G-GCCTCCGCTCCTTGTCCTC. GRCh37 (hg19) VCF-style: chr19-13409371-G-GCCTCCGCTCCTTGTCCTC.
Other names: c.3070_3087dup, p.Arg1029_His1030insGluAspLysGluArgArg (NM_000068.4, NM_023035.3); c.3061_3078dup, p.Arg1026_His1027insGluAspLysGluArgArg (NM_001127221.2, NM_001174080.2); c.3061_3078dup (NM_001127221.1).
Identifiers: ClinVar variation 1723561 (VCV001723561.6), dbSNP rs775401245, ClinGen allele CA9240432.

ClinVar aggregate classification (germline): Uncertain significance. Review status: criteria provided, multiple submitters, no conflicts (2 of 4 stars). 3 submissions from 3 submitters: Uncertain significance (3). Last evaluated 2024-03-08.

Conditions:
Developmental and epileptic encephalopathy, 42 (DEE42A). Also called: DEVELOPMENTAL AND EPILEPTIC ENCEPHALOPATHY 42A; EPILEPTIC ENCEPHALOPATHY, EARLY INFANTILE, 42A; Epileptic encephalopathy, early infantile, 42. Identifiers: MedGen C4310716, MONDO:0014917, OMIM 617106.
Episodic ataxia type 2 (EA2). Also called: ACETAZOLAMIDE-RESPONSIVE HEREDITARY PAROXYSMAL CEREBELLAR ATAXIA; CEREBELLAR ATAXIA, PAROXYSMAL, ACETAZOLAMIDE-RESPONSIVE; CEREBELLOPATHY, HEREDITARY PAROXYSMAL; EPISODIC ATAXIA, NYSTAGMUS-ASSOCIATED; ATAXIA, EPISODIC, WITH NYSTAGMUS; ATAXIA, FAMILIAL PAROXYSMAL. Identifiers: Orphanet 97, MedGen C1720416, MONDO:0007163, OMIM 108500.

Submissions (3):

Labcorp Genetics (formerly Invitae), Labcorp
Classification: Uncertain significance for Developmental and epileptic encephalopathy, 42; Episodic ataxia type 2. Last evaluated: 2024-03-08. Review status: criteria provided, single submitter. Criteria: Invitae Variant Classification Sherloc (09022015). Collection method: clinical testing. Allele origin: germline.
Comment: This variant, c.3061_3078dup, results in the insertion of 6 amino acid(s) of the CACNA1A protein (p.Glu1021_Arg1026dup), but otherwise preserves the integrity of the reading frame. This variant is present in population databases (rs775401245, gnomAD 0.009%). This variant has not been reported in the literature in individuals affected with CACNA1A-related conditions. ClinVar contains an entry for this variant (Variation ID: 1723561). In summary, the available evidence is currently insufficient to determine the role of this variant in disease. Therefore, it has been classified as a Variant of Uncertain Significance.

GeneDx
Classification: Uncertain significance. Last evaluated: 2023-07-14. Review status: criteria provided, single submitter. Criteria: GeneDx Variant Classification Process June 2021. Collection method: clinical testing. Allele origin: germline. Affected: yes.
Comment: In-frame duplication of 6 amino acids in a non-repeat region; Has not been previously published as pathogenic or benign to our knowledge

Neuberg Centre For Genomic Medicine, NCGM
Classification: Uncertain significance for Developmental and epileptic encephalopathy, 42. Review status: criteria provided, single submitter. Criteria: ACMG Guidelines, 2015. Collection method: clinical testing. Allele origin: germline. Inheritance: Autosomal dominant inheritance. Affected: yes.
Comment: The inframe insertion c.3058_3075dup (p.Glu1020_Arg1025dup) in the CACNA1A gene has not been reported previously as a pathogenic variant nor as a benign variant, to our knowledge. This variant is reported with the allele frequency (0.001%) in the gnomAD Exomes. This variant has been reported to the ClinVar database as Uncertain Significance. However, no details are available for independent assessment. This variant p.Glu1020_Arg1025dup causes duplication of amino acid Glutamic Acid at postion 1020 and Arginine at postion 1025. For these reasons, this variant has been classified as Uncertain Significance.